The following is an entry in ClinVar:

ClinVar aggregate classification (germline): Uncertain significance. Review status: criteria provided, multiple submitters, no conflicts (2 of 4 stars). 5 submissions from 5 submitters: Uncertain significance (3). 2 of the submissions do not count toward it. Last evaluated 2026-06-16.

Conditions:
TTN-related disorder. Also called: TTN-related condition; TTN-related disease; TTN-related disorders.
Early-onset myopathy with fatal cardiomyopathy (CMYO5). Also called: Salih Myopathy; CONGENITAL MYOPATHY 5 WITH CARDIOMYOPATHY. Identifiers: Orphanet 289377, MedGen C2673677, MONDO:0012714, OMIM 611705. Disease mechanism: loss of function.
Tibial muscular dystrophy (TMD). Also called: Tibial muscular dystrophy, tardive; UDD MYOPATHY; Udd Distal Myopathy – Tibial Muscular Dystrophy. Identifiers: Orphanet 609, MedGen C1838244, MONDO:0010870, OMIM 600334.
Dilated cardiomyopathy 1G (CMD1G). Identifiers: Orphanet 154, MedGen C1858763, MONDO:0011400, OMIM 604145.
Autosomal recessive limb-girdle muscular dystrophy type 2J (LGMDR10). Also called: Limb-girdle muscular dystrophy, type 2J; MUSCULAR DYSTROPHY, LIMB-GIRDLE, AUTOSOMAL RECESSIVE 10. Identifiers: Orphanet 140922, MedGen C1837342, MONDO:0012127, OMIM 608807.
Hypertrophic cardiomyopathy 9. Also called: Familial hypertrophic cardiomyopathy 9. Identifiers: MedGen C1861065, MONDO:0013412, OMIM 613765.
Myopathy, myofibrillar, 9, with early respiratory failure (MFM9). Also called: EDSTROM MYOPATHY; Myopathy, distal, with early respiratory failure, autosomal dominant; Hereditary myopathy with early respiratory failure; MYOPATHY, PROXIMAL, WITH EARLY RESPIRATORY MUSCLE INVOLVEMENT. Identifiers: Orphanet 178464, Orphanet 34521, MedGen C1863599, MONDO:0011362, OMIM 603689.

Allele frequency attached by ClinVar (database versions not stated): ExAC 0.00001; gnomAD exomes 0.00001; TOPMed 0.00001; gnomAD 0.00004 and 0.00005.
gnomAD v4.1: 16 of 1,606,944 alleles (0.001%); highest among the groups gnomAD compares: African/African-American, 0.0067%; no homozygotes.

Submissions (5):

PreventionGenetics, part of Exact Sciences
Classification: Uncertain significance for TTN-related condition. Last evaluated: 2026-06-16. Review status: criteria provided, single submitter. Criteria: ACMG Guidelines, 2015. Collection method: clinical testing. Allele origin: germline.
Comment: The TTN c.13979C>T variant is predicted to result in the amino acid substitution p.Thr4660Met. This variant has been reported in an individual with dilated cardiomyopathy (Table S3, Mazzarotto et al. 2020. PubMed ID: 31983221). This variant is reported in 0.0083% of alleles in individuals of African descent in gnomAD. At this time, the clinical significance of this variant is uncertain due to the absence of conclusive functional and genetic evidence.

Fulgent Genetics
Classification: Uncertain significance for Tibial muscular dystrophy; Myopathy, myofibrillar, 9, with early respiratory failure; Dilated cardiomyopathy 1G; Autosomal recessive limb-girdle muscular dystrophy type 2J; Early-onset myopathy with fatal cardiomyopathy; Hypertrophic cardiomyopathy 9. Last evaluated: 2021-09-13. Review status: criteria provided, single submitter. Criteria: ACMG Guidelines, 2015. Collection method: clinical testing. Allele origin: unknown.

Eurofins Ntd Llc (ga)
Classification: Uncertain significance. Last evaluated: 2016-09-29. Review status: criteria provided, single submitter. Criteria: EGL Classification Definitions 2015. Collection method: clinical testing. Allele origin: germline. Observed: 1 variant allele, 1 heterozygote.

Clinical Genetics DNA and cytogenetics Diagnostics Lab, Erasmus MC, Erasmus Medical Center
Classification: Uncertain significance. Review status: no assertion criteria provided. Collection method: clinical testing. Allele origin: germline. Affected: yes. Study: VKGL Data-share Consensus. Not counted in ClinVar's aggregate classification.

Diagnostic Laboratory, Department of Genetics, University Medical Center Groningen
Classification: Uncertain significance. Review status: no assertion criteria provided. Collection method: clinical testing. Allele origin: germline. Affected: yes. Study: VKGL Data-share Consensus. Not counted in ClinVar's aggregate classification.

NM_001267550.2(TTN):c.13979C>T (p.Thr4660Met)

Gene: TTN (titin; minus strand). Cytogenetic location: 2q31.2.
Variant type: single nucleotide variant.
Coding change: c.13979C>T on transcript NM_001267550.2 (MANE Select); coding-DNA position 13979, C replaced by T.
Protein change: p.Thr4660Met; replaces threonine 4660 with methionine.
Molecular consequence: missense variant. On other transcripts: intron variant (1).
Genome position (GRCh38, 1-based): chr2:178,739,254, G>A on the plus strand (C>T on the coding strand, the complement: TTN is on the minus strand). VCF-style: chr2-178739254-G-A. GRCh37 (hg19) VCF-style: chr2-179603981-G-A.
Other names: c.13028C>T, p.Thr4343Met (NM_001256850.1); c.12890C>T, p.Thr4297Met (NM_003319.4); c.13265C>T, p.Thr4422Met (NM_133432.3); c.13466C>T, p.Thr4489Met (NM_133437.4); c.10361-894C>T (NM_133378.4); short protein forms T4343M, T4660M, T4297M, T4422M, T4489M.
Identifiers: ClinVar variation 497175 (VCV000497175.11), dbSNP rs754231728, ClinGen allele CA2002498.